The following is an entry in ClinVar:

NM_000291.4(PGK1):c.452G>A (p.Arg151Gln)

Gene: PGK1 (phosphoglycerate kinase 1; plus strand). Cytogenetic location: Xq21.1.
Variant type: single nucleotide variant.
Coding change: c.452G>A on transcript NM_000291.4 (MANE Select); coding-DNA position 452, G replaced by A.
Protein change: p.Arg151Gln; replaces arginine 151 with glutamine.
Molecular consequence: missense variant.
Genome position (GRCh38, 1-based): chrX:78,117,346, G>A. VCF-style: chrX-78117346-G-A. GRCh37 (hg19) VCF-style: chrX-77372843-G-A.
Other names: short protein forms R151Q.
Identifiers: ClinVar variation 1304039 (VCV001304039.5), dbSNP rs1557247552, ClinGen allele CA413721077.

ClinVar aggregate classification (germline): Uncertain significance. Review status: criteria provided, multiple submitters, no conflicts (2 of 4 stars). 3 submissions from 3 submitters: Uncertain significance (3). Last evaluated 2026-09-09.

Conditions:
Inborn genetic diseases. Identifiers: MedGen C0950123, MeSH D030342.
Glycogen storage disease due to phosphoglycerate kinase 1 deficiency. Also called: PHOSPHOGLYCERATE KINASE 1 DEFICIENCY WITH LEVO-DOPA-RESPONSIVE PARKINSONISM; PGK1 DEFICIENCY. Identifiers: Orphanet 713, MedGen C1970848, MONDO:0010392, OMIM 300653.

Allele frequency attached by ClinVar (database versions not stated): gnomAD exomes below 0.00001 and 0.00001; TOPMed 0.00001.

Submissions (3):

Ambry Genetics
Classification: Uncertain significance for Inborn genetic diseases. Last evaluated: 2026-09-09. Review status: criteria provided, single submitter. Criteria: Ambry Variant Classification Scheme 2023. Collection method: clinical testing. Allele origin: germline.

Laboratorio de Genetica e Diagnostico Molecular, Hospital Israelita Albert Einstein
Classification: Uncertain significance for Glycogen storage disease due to phosphoglycerate kinase 1 deficiency. Last evaluated: 2021-10-06. Review status: criteria provided, single submitter. Criteria: ACMG Guidelines, 2015. Collection method: clinical testing. Allele origin: germline. Affected: yes.
Comment: ACMG classification criteria: PM2 moderate

GeneDx
Classification: Uncertain significance. Last evaluated: 2020-06-02. Review status: criteria provided, single submitter. Criteria: GeneDx Variant Classification Process June 2021. Collection method: clinical testing. Allele origin: germline. Affected: yes.
Comment: In silico analysis supports that this missense variant has a deleterious effect on protein structure/function; Has not been previously published as pathogenic or benign to our knowledge